The following is an entry in ClinVar:

NM_031935.3(HMCN1):c.15541T>C (p.Phe5181Leu)

Gene: HMCN1 (hemicentin 1; plus strand). Cytogenetic location: 1q31.1.
Variant type: single nucleotide variant.
Coding change: c.15541T>C on transcript NM_031935.3 (MANE Select); coding-DNA position 15541, T replaced by C.
Protein change: p.Phe5181Leu; replaces phenylalanine 5181 with leucine.
Molecular consequence: missense variant.
Genome position (GRCh38, 1-based): chr1:186,166,909, T>C. VCF-style: chr1-186166909-T-C. GRCh37 (hg19) VCF-style: chr1-186136041-T-C.
Other names: c.15541T>C (NM_031935.2); short protein forms F5181L.
Identifiers: ClinVar variation 2187627 (VCV002187627.5), dbSNP rs370836523, ClinGen allele CA1295290.
Genomic context (GRCh38, chr1:186,166,909, plus strand): 5'-GGTCAGGACTGTGACAATACGATTGGATCTTATCGCTGTGTGGTCCGTTGTGGAAGTGGC[T>C]TTCGAAGAACCTCTGATGGGCTGAGTTGTCAAGGTATAAAAATGGAGGCCTTTTCTTTAT-3'
Protein context (NP_114141.2, residues 5171-5191): YRCVVRCGSG[Phe5181Leu]RRTSDGLSCQ

ClinVar aggregate classification (germline): Uncertain significance. Review status: criteria provided, multiple submitters, no conflicts (2 of 4 stars). 2 submissions from 2 submitters: Uncertain significance (2). Last evaluated 2026-01-05.

Allele frequency attached by ClinVar (database versions not stated): gnomAD exomes 0.00001; ExAC 0.00004; ESP Exome Variant Server 0.00008; TOPMed 0.00011; gnomAD 0.00014.
gnomAD v4.1: 38 of 1,614,014 alleles (0.0024%); highest among the groups gnomAD compares: African/African-American, 0.048%; no homozygotes.

Submissions (2):

Labcorp Genetics (formerly Invitae), Labcorp
Classification: Uncertain significance. Last evaluated: 2026-01-05. Review status: criteria provided, single submitter. Criteria: Invitae Variant Classification Sherloc (09022015). Collection method: clinical testing. Allele origin: germline.
Comment: This sequence change replaces phenylalanine, which is neutral and non-polar, with leucine, which is neutral and non-polar, at codon 5181 of the HMCN1 protein (p.Phe5181Leu). This variant is present in population databases (rs370836523, gnomAD 0.05%). This variant has not been reported in the literature in individuals affected with HMCN1-related conditions. ClinVar contains an entry for this variant (Variation ID: 2187627). An algorithm developed to predict the effect of missense changes on protein structure and function (PolyPhen-2) suggests that this variant is likely to be disruptive. In summary, the available evidence is currently insufficient to determine the role of this variant in disease. Therefore, it has been classified as a Variant of Uncertain Significance.

Ambry Genetics
Classification: Uncertain significance. Last evaluated: 2025-11-25. Review status: criteria provided, single submitter. Criteria: Ambry Variant Classification Scheme 2023. Collection method: clinical testing. Allele origin: germline.